The following is an entry in ClinVar:

ClinVar aggregate classification (germline): Uncertain significance. Review status: criteria provided, multiple submitters, no conflicts (2 of 4 stars). 4 submissions from 4 submitters: Uncertain significance (4). Last evaluated 2026-09-02.

Conditions:
ERCC6L2-related disorder. Also called: ERCC6L2-related condition.
Pancytopenia-developmental delay syndrome. Also called: Bone marrow failure syndrome 2. Identifiers: Orphanet 401764, MedGen C3810350, MONDO:0014317, OMIM 615715.

Allele frequency attached by ClinVar (database versions not stated): gnomAD exomes 0.00002 and 0.00003; gnomAD 0.00006 and 0.00007; TOPMed 0.00009.
gnomAD v4.1: 16 of 1,281,250 alleles (0.0012%); highest among the groups gnomAD compares: African/African-American, 0.017%; no homozygotes.

Submissions (4):

PreventionGenetics, part of Exact Sciences
Classification: Uncertain significance for ERCC6L2-related condition. Last evaluated: 2026-09-02. Review status: criteria provided, single submitter. Criteria: ACMG Guidelines, 2015. Collection method: clinical testing. Allele origin: germline.
Comment: The ERCC6L2 c.2653A>G variant is predicted to result in the amino acid substitution p.Ile885Val. To our knowledge, this variant has not been reported in the literature. This variant is reported in 0.034% of alleles in individuals of African descent in gnomAD. At this time, the clinical significance of this variant is uncertain due to the absence of conclusive functional and genetic evidence.

Labcorp Genetics (formerly Invitae), Labcorp
Classification: Uncertain significance. Last evaluated: 2025-06-12. Review status: criteria provided, single submitter. Criteria: Invitae Variant Classification Sherloc (09022015). Collection method: clinical testing. Allele origin: germline.
Comment: This sequence change replaces isoleucine, which is neutral and non-polar, with valine, which is neutral and non-polar, at codon 885 of the ERCC6L2 protein (p.Ile885Val). This variant is present in population databases (no rsID available, gnomAD 0.03%). This variant has not been reported in the literature in individuals affected with ERCC6L2-related conditions. ClinVar contains an entry for this variant (Variation ID: 1349569). Experimental studies and prediction algorithms are not available or were not evaluated, and the functional significance of this variant is currently unknown. In summary, the available evidence is currently insufficient to determine the role of this variant in disease. Therefore, it has been classified as a Variant of Uncertain Significance.

Blueprint Genetics
Classification: Uncertain significance. Last evaluated: 2024-10-28. Review status: criteria provided, single submitter. Criteria: ACMG Guidelines, 2015. Collection method: clinical testing. Allele origin: germline.

Department of Pathology and Laboratory Medicine, Sinai Health System
Classification: Uncertain significance for Pancytopenia-developmental delay syndrome. Last evaluated: 2021-08-23. Review status: criteria provided, single submitter. Criteria: ACMG Guidelines, 2015. Collection method: research. Allele origin: germline.

NM_020207.7(ERCC6L2):c.2620A>G (p.Ile874Val)

Gene: ERCC6L2 (ERCC excision repair 6 like 2; plus strand). Cytogenetic location: 9q22.32.
Variant type: single nucleotide variant.
Coding change: c.2620A>G on transcript NM_020207.7 (MANE Select); coding-DNA position 2620, A replaced by G.
Protein change: p.Ile874Val; replaces isoleucine 874 with valine.
Molecular consequence: missense variant. On other transcripts: non-coding transcript variant (1).
Genome position (GRCh38, 1-based): chr9:95,972,371, A>G. VCF-style: chr9-95972371-A-G. GRCh37 (hg19) VCF-style: chr9-98734653-A-G.
Other names: c.2653A>G (NM_020207.4); c.2620A>G, p.Ile874Val (NM_001375291.1, NM_001375292.1, NM_001375293.1 and 1 more transcripts); short protein forms I874V.
Identifiers: ClinVar variation 1349569 (VCV001349569.8), dbSNP rs957036220, ClinGen allele CA196597484.